The following is an entry in ClinVar:

ClinVar aggregate classification (germline): Uncertain significance (1 of 4 stars; one submission).

Conditions:
RAI1-related disorder. Also called: RAI1-related condition.

Submission:

PreventionGenetics, part of Exact Sciences
Classification: Uncertain significance for RAI1-related condition. Last evaluated: 2025-08-13. Review status: criteria provided, single submitter. Criteria: ACMG Guidelines, 2015. Collection method: clinical testing. Allele origin: germline.
Comment: The RAI1 c.979G>C variant is predicted to result in the amino acid substitution p.Ala327Pro. To our knowledge, this variant has not been reported in the literature or in a large population database (gnomAD), indicating this variant is rare. At this time, the clinical significance of this variant is uncertain due to the absence of conclusive functional and genetic evidence.

NM_030665.4(RAI1):c.979G>C (p.Ala327Pro)

Gene: RAI1 (retinoic acid induced 1; plus strand). Cytogenetic location: 17p11.2.
Variant type: single nucleotide variant.
Coding change: c.979G>C on transcript NM_030665.4 (MANE Select); coding-DNA position 979, G replaced by C.
Protein change: p.Ala327Pro; replaces alanine 327 with proline.
Molecular consequence: missense variant.
Genome position (GRCh38, 1-based): chr17:17,793,927, G>C. VCF-style: chr17-17793927-G-C. GRCh37 (hg19) VCF-style: chr17-17697241-G-C.
Other names: short protein forms A327P.
Identifiers: ClinVar variation 4991362 (VCV004991362.1).